The following is an entry in ClinVar:

ClinVar aggregate classification (germline): Likely benign (1 of 4 stars; one submission).

Allele frequency attached by ClinVar (database versions not stated): gnomAD exomes 0.00012; gnomAD 0.00018; TOPMed 0.00021; ExAC 0.00028; 1000 Genomes Project 30x 0.00078; 1000 Genomes Project 0.00080.
gnomAD v4.1: 198 of 1,523,634 alleles (0.013%); highest among the groups gnomAD compares: East Asian, 0.27%; no homozygotes.

Submission:

CeGaT Center for Human Genetics Tuebingen
Classification: Likely benign. Last evaluated: 2023-02-01. Review status: criteria provided, single submitter. Criteria: CeGaT Center For Human Genetics Tuebingen Variant Classification Criteria Version 2. Collection method: clinical testing. Allele origin: germline. Affected: yes. Observed: 1 variant allele.
Comment: NFE2: BP4, BP7

NM_001136023.3(NFE2):c.432C>T (p.Ser144=)

Gene: NFE2 (nuclear factor, erythroid 2; minus strand). Cytogenetic location: 12q13.13.
Variant type: single nucleotide variant.
Coding change: c.432C>T on transcript NM_001136023.3 (MANE Select); coding-DNA position 432, C replaced by T.
Protein change: p.Ser144=; no amino-acid change (serine 144 retained).
Molecular consequence: synonymous variant.
Genome position (GRCh38, 1-based): chr12:54,293,064, G>A on the plus strand (C>T on the coding strand, the complement: NFE2 is on the minus strand). VCF-style: chr12-54293064-G-A. GRCh37 (hg19) VCF-style: chr12-54686848-G-A.
Other names: c.432C>T, p.Ser144= (NM_001261461.2, NM_001400365.1, NM_006163.3); c.129C>T, p.Ser43= (NM_001400372.1, NM_001400373.1).
Identifiers: ClinVar variation 2643056 (VCV002643056.24), dbSNP rs199698026, ClinGen allele CA6606583.